The following is an entry in ClinVar:

ClinVar aggregate classification (germline): Uncertain significance (1 of 4 stars; one submission).

Conditions:
Hereditary cancer-predisposing syndrome. Also called: Neoplastic Syndromes, Hereditary; Tumor predisposition; Hereditary neoplastic syndrome; Hereditary Cancer Syndrome. Identifiers: Orphanet 140162, MedGen C0027672, MeSH D009386, MONDO:0015356.

Submission:

Ambry Genetics
Classification: Uncertain significance for Hereditary cancer-predisposing syndrome. Last evaluated: 2025-06-08. Review status: criteria provided, single submitter. Criteria: Ambry Variant Classification Scheme 2023. Collection method: clinical testing. Allele origin: germline.
Comment: The p.N1477K variant (also known as c.4431T>G), located in coding exon 29 of the ALK gene, results from a T to G substitution at nucleotide position 4431. The asparagine at codon 1477 is replaced by lysine, an amino acid with similar properties. This amino acid position is conserved. In addition, this alteration is predicted to be tolerated by in silico analysis. Based on the available evidence, the clinical significance of this variant remains unclear.

NM_004304.5(ALK):c.4431T>G (p.Asn1477Lys)

Gene: ALK (ALK receptor tyrosine kinase; minus strand). Cytogenetic location: 2p23.2.
Variant type: single nucleotide variant.
Coding change: c.4431T>G on transcript NM_004304.5 (MANE Select); coding-DNA position 4431, T replaced by G.
Protein change: p.Asn1477Lys; replaces asparagine 1477 with lysine.
Molecular consequence: missense variant.
Genome position (GRCh38, 1-based): chr2:29,193,656, A>C on the plus strand (T>G on the coding strand, the complement: ALK is on the minus strand). VCF-style: chr2-29193656-A-C. GRCh37 (hg19) VCF-style: chr2-29416522-A-C.
Other names: c.1227T>G, p.Asn409Lys (NM_001353765.2); short protein forms N409K, N1477K.
Identifiers: ClinVar variation 4041143 (VCV004041143.1).
Genomic context (GRCh38, chr2:29,193,656, plus strand): 5'-GTTTCTGGATCCGTGGACCTTGTGCAACTCCGAAGGAGGGTTGGACTGAGAGAATGCCAT[A>C]TTCACGTGTCCCCCTTCCACGGCCGGCCCTCTAGGGACTCGAACAGAGATCTCTGCAGCT-3'
Protein context (NP_004295.2, residues 1467-1487): RGPAVEGGHV[Asn1477Lys]MAFSQSNPPS